The following is an entry in ClinVar:

NM_014244.5(ADAMTS2):c.47TGC[9] (p.Leu23dup)

Gene: ADAMTS2 (ADAM metallopeptidase with thrombospondin type 1 motif 2; minus strand). Cytogenetic location: 5q35.3.
Variant type: Microsatellite.
Coding change: c.47TGC[9] on transcript NM_014244.5 (MANE Select); nine copies in a row of the 3-base unit TGC starting at c.47; the reference has eight copies in a row; one copy, 3 bases duplicated; also written c.68_70dup.
Protein change: p.Leu23dup; duplicates leucine 23.
Molecular consequence: inframe insertion.
Genome position (GRCh38, 1-based): chr5:179,345,259-179,345,261, GCA duplicated on the plus strand (TGC on the coding strand, the reverse complement: ADAMTS2 is on the minus strand); duplicating any 3 consecutive bases within chr5:179,345,259-179,345,284 gives the same sequence; the position shown is the placement nearest the transcript's 3' end. VCF-style (leftmost placement, unchanged base first): chr5-179345258-G-GGCA. GRCh37 (hg19) VCF-style: chr5-178772259-G-GGCA.
Other names: p.Leu23dup; c.68_70dupTGC (NM_014244.4, NM_014244.5); c.68_70dup (NM_014244.5); c.47TGC[9], p.Leu23dup (NM_021599.4); c.44_45insGCT (NM_014244.4).
Identifiers: ClinVar variation 353147 (VCV000353147.26), dbSNP rs568040559, ClinGen allele CA3596392.

ClinVar aggregate classification (germline): Benign. Review status: criteria provided, multiple submitters, no conflicts (2 of 4 stars). 10 submissions from 9 submitters: Benign (8). 2 of the submissions do not count toward it. Last evaluated 2026-02-04.

Conditions:
Ehlers-Danlos syndrome, dermatosparaxis type. Also called: Ehlers-Danlos syndrome, type VII, autosomal recessive; EDS VIIC; Dermatosparaxis. Identifiers: Orphanet 1901, MedGen C2700425, MONDO:0009161, OMIM 225410.

Submissions (10):

Labcorp Genetics (formerly Invitae), Labcorp
Classification: Benign for Ehlers-Danlos syndrome, dermatosparaxis type. Last evaluated: 2026-02-04. Review status: criteria provided, single submitter. Criteria: Invitae Variant Classification Sherloc (09022015). Collection method: clinical testing. Allele origin: germline.

Blueprint Genetics
Classification: Benign. Last evaluated: 2024-11-26. Review status: criteria provided, single submitter. Criteria: ACMG Guidelines, 2015. Collection method: clinical testing. Allele origin: germline.

Molecular Genetics, Royal Melbourne Hospital
Classification: Benign for Ehlers-Danlos syndrome, dermatosparaxis type. Last evaluated: 2023-05-04. Review status: criteria provided, single submitter. Criteria: ACMG Guidelines, 2015. Collection method: clinical testing. Allele origin: germline. Affected: yes.
Comment: South Asian population allele frequency is 25.41% (rs193247334, 38/112 alleles, 8 homozygotes in gnomAD v2.1). Based on the classification scheme RMH Modified ACMG/AMP Guidelines v1.4.0, this variant is classified as BENIGN. Following criteria are met: BA1

Mendelics
Classification: Benign for Ehlers-Danlos syndrome, dermatosparaxis type. Last evaluated: 2019-05-28. Review status: criteria provided, single submitter. Criteria: Mendelics Assertion Criteria 2017. Collection method: clinical testing. Allele origin: unknown.

Mayo Clinic Laboratories, Mayo Clinic
Classification: Benign. Last evaluated: 2019-04-16. Review status: criteria provided, single submitter. Criteria: ACMG Guidelines, 2015. Collection method: clinical testing. Allele origin: germline. Observed: 1,215 variant alleles.

Women's Health and Genetics/Laboratory Corporation of America, LabCorp
Classification: Benign. Last evaluated: 2018-07-10. Review status: criteria provided, single submitter. Criteria: LabCorp Variant Classification Summary - May 2015. Collection method: clinical testing. Allele origin: germline.
Comment: Variant summary: ADAMTS2 c.68_70dupTGC (p.Leu23dup) results in an in-frame insertion that is predicted to insert one amino acid into the encoded protein. The variant allele was found at a frequency of 0.17 in 28092 control chromosomes in the gnomAD database, including 419 homozygotes. The observed variant frequency is approximately 60-fold of the estimated maximal expected allele frequency for a pathogenic variant in ADAMTS2 causing Ehlers-Danlos Syndrome, Type VIIC (Dermatosparaxis) phenotype (0.0029), strongly suggesting that the variant is benign. To our knowledge, no occurrence of c.68_70dupTGC in individuals affected with Ehlers-Danlos Syndrome, Type VIIC (Dermatosparaxis) and no experimental evidence demonstrating its impact on protein function have been reported. Three clinical diagnostic laboratories have submitted clinical-significance assessments for this variant to ClinVar after 2014 without evidence for independent evaluation. All laboratories classified the variant as benign. Based on the evidence outlined above, the variant was classified as benign.

GeneDx
Classification: Benign. Last evaluated: 2018-06-10. Review status: criteria provided, single submitter. Criteria: GeneDx Variant Classification Process June 2021. Collection method: clinical testing. Allele origin: germline. Affected: yes.

Eurofins Ntd Llc (ga)
Classification: Benign. Last evaluated: 2015-07-09. Review status: criteria provided, single submitter. Criteria: EGL Classification Definitions. Collection method: clinical testing. Allele origin: germline. Observed: 4 variant alleles, 4 heterozygotes.

Natera, Inc.
Classification: Benign for Ehlers-Danlos syndrome type VIIC. Last evaluated: 2020-09-16. Review status: no assertion criteria provided. Collection method: clinical testing. Allele origin: germline. Not counted in ClinVar's aggregate classification.

GeneDx
Classification: Benign. Last evaluated: 2018-09-26. Review status: flagged submission. Criteria: GeneDx Variant Classification Process June 2021. Collection method: clinical testing. Allele origin: germline. Affected: yes. Not counted in ClinVar's aggregate classification.
ClinVar note: Reason: This record appears to be redundant with a more recent record from the same submitter.
ClinVar note: Notes: SCV001753175 appears to be redundant with SCV000730218.